The following is an entry in ClinVar:

ClinVar aggregate classification (germline): Pathogenic (1 of 4 stars; one submission).

Conditions:
Hereditary breast ovarian cancer syndrome. Also called: BRCA1- and BRCA2-Associated Hereditary Breast and Ovarian Cancer; Hereditary breast and/or ovarian cancer syndrome; Hereditary breast and ovarian cancer syndrome; Hereditary breast and ovarian cancer syndrome (HBOC); Breast and ovarian cancer; Hereditary breast and ovarian cancer. Identifiers: Orphanet 145, MedGen C0677776, MeSH D061325, MONDO:0003582. Disease mechanism: loss of function.

Submission:

Labcorp Genetics (formerly Invitae), Labcorp
Classification: Pathogenic for Hereditary breast ovarian cancer syndrome. Last evaluated: 2024-02-01. Review status: criteria provided, single submitter. Criteria: Invitae Variant Classification Sherloc (09022015). Collection method: clinical testing. Allele origin: germline.
Comment: This sequence change creates a premature translational stop signal (p.Ser1191Leufs*20) in the BRCA1 gene. It is expected to result in an absent or disrupted protein product. Loss-of-function variants in BRCA1 are known to be pathogenic (PMID: 20104584). This variant is not present in population databases (gnomAD no frequency). This variant has not been reported in the literature in individuals affected with BRCA1-related conditions. For these reasons, this variant has been classified as Pathogenic.

Literature cited by the submitters: PubMed 20104584.

NM_007294.4(BRCA1):c.3568_3569dup (p.Ser1191fs)

Genes: BRCA1 (BRCA1 DNA repair associated; minus strand), LOC126862571 (BRD4-independent group 4 enhancer GRCh37_chr17:41243136-41244335; plus strand). Cytogenetic location: 17q21.31.
Variant type: Duplication.
Coding change: c.3568_3569dup on transcript NM_007294.4 (MANE Select); coding-DNA positions 3568 to 3569, 2 bases duplicated (CC; older notation c.3568_3569dupCC).
Protein change: p.Ser1191fs; shifts the reading frame from serine 1191.
Molecular consequence: frameshift variant. On other transcripts: intron variant (135).
Genome position (GRCh38, 1-based): chr17:43,091,962-43,091,963, GG duplicated on the plus strand (CC on the coding strand, the reverse complement: BRCA1 is on the minus strand). VCF-style (leftmost placement, unchanged base first): chr17-43091961-A-AGG. GRCh37 (hg19) VCF-style: chr17-41243978-A-AGG.
Other names: c.548-931_548-930dup (NM_001408494.1); c.665-931_665-930dup (NM_001408444.1, NM_001408438.1, NM_001408430.1 and 12 more transcripts); c.671-931_671-930dup (NM_001408423.1, NM_001408420.1, NM_001408419.1 and 2 more transcripts); c.788-931_788-930dup (NM_001408404.1, NM_001408472.1, NM_001407990.1 and 17 more transcripts); c.578-931_578-930dup (NM_001408492.1, NM_001408513.1, NM_001408481.1 and 9 more transcripts); c.644-931_644-930dup (NM_001408468.1, NM_001408470.1, NM_001408464.1 and 3 more transcripts); c.524-931_524-930dup (NM_001408501.1, NM_001408500.1, NM_001408497.1 and 3 more transcripts); c.647-931_647-930dup (NM_001408455.1, NM_001408457.1, NM_001408466.1 and 11 more transcripts); and 41 more; short protein forms S1144fs, S1149fs, S1164fs, S1079fs, S1063fs, S1080fs, S1120fs, S1121fs.
Identifiers: ClinVar variation 3637946 (VCV003637946.2).